The following is an entry in ClinVar:

ClinVar aggregate classification (germline): Benign. Review status: criteria provided, multiple submitters, no conflicts (2 of 4 stars). 8 submissions from 8 submitters: Benign (7). 1 of the submissions does not count toward it. Last evaluated 2026-02-04.

Conditions:
Cardiovascular phenotype. Identifiers: MedGen CN230736.
Alstrom syndrome (ALMS). Identifiers: Orphanet 64, MedGen C0268425, MONDO:0008763, OMIM 203800.

Allele frequency attached by ClinVar (database versions not stated): gnomAD exomes 0.00170 and 0.00411; ExAC 0.00516; gnomAD 0.01660 and 0.01769; ESP Exome Variant Server 0.01756; TOPMed 0.01819; 1000 Genomes Project 0.01997; 1000 Genomes Project 30x 0.02139.
gnomAD v4.1: 5,097 of 1,613,198 alleles (0.32%); highest among the groups gnomAD compares: African/African-American, 5.9%; 154 homozygotes.

Submissions (13):

Labcorp Genetics (formerly Invitae), Labcorp
Classification: Benign for Alstrom syndrome. Last evaluated: 2026-02-04. Review status: criteria provided, single submitter. Criteria: Invitae Variant Classification Sherloc (09022015). Collection method: clinical testing. Allele origin: germline.

ARUP Laboratories, Molecular Genetics and Genomics, ARUP Laboratories
Classification: Benign for Alstrom syndrome. Last evaluated: 2025-07-08. Review status: criteria provided, single submitter. Criteria: ARUP Molecular Germline Variant Investigation Process 2024. Collection method: clinical testing. Allele origin: germline.

Athena Diagnostics
Classification: Benign. Last evaluated: 2019-03-21. Review status: criteria provided, single submitter. Criteria: Athena Diagnostics Criteria. Collection method: clinical testing. Allele origin: germline.

Ambry Genetics
Classification: Benign for Cardiovascular phenotype. Last evaluated: 2019-01-07. Review status: criteria provided, single submitter. Criteria: Ambry Variant Classification Scheme 2023. Collection method: clinical testing. Allele origin: germline.

GeneDx
Classification: Benign. Last evaluated: 2016-10-11. Review status: criteria provided, single submitter. Criteria: GeneDx Variant Classification (06012015). Collection method: clinical testing. Allele origin: germline. Affected: yes.
Comment: This variant is considered likely benign or benign based on one or more of the following criteria: it is a conservative change, it occurs at a poorly conserved position in the protein, it is predicted to be benign by multiple in silico algorithms, and/or has population frequency not consistent with disease.

Laboratory for Molecular Medicine, Mass General Brigham Personalized Medicine
Classification: Benign. Last evaluated: 2016-03-21. Review status: criteria provided, single submitter. Criteria: LMM Criteria. Collection method: clinical testing. Allele origin: germline. Observed: 3 variant alleles.
Comment: p.Gln1722Gln in exon 8 of ALMS1: This variant is not expected to have clinical s ignificance because it does not alter an amino acid residue, is not located with in the splice consensus sequence, and has been identified in 5.86% (573/9782) of African chromosomes by the Exome Aggregation Consortium (ExAC; dbSNP rs75434052).

Breakthrough Genomics
Classification: Benign. Review status: criteria provided, single submitter. Criteria: ACMG Guidelines, 2015. Collection method: not provided. Allele origin: germline. Inheritance: Autosomal recessive inheritance. Affected: yes.

Natera, Inc.
Classification: Benign for Alstrom syndrome. Last evaluated: 2020-09-16. Review status: no assertion criteria provided. Collection method: clinical testing. Allele origin: germline. Not counted in ClinVar's aggregate classification.

Dr. Peter K. Rogan Lab, Western University
No classification provided (evidence only). Condition: Cervical cancer. Review status: no classification provided. Collection method: in vitro. Allele origin: not applicable. Functional consequence: retained intron. Not counted in ClinVar's aggregate classification.

Dr. Peter K. Rogan Lab, Western University
No classification provided (evidence only). Condition: Thymoma. Review status: no classification provided. Collection method: in vitro. Allele origin: not applicable. Functional consequence: retained intron. Not counted in ClinVar's aggregate classification.

Dr. Peter K. Rogan Lab, Western University
No classification provided (evidence only). Condition: Ovarian serous cystadenocarcinoma. Review status: no classification provided. Collection method: in vitro. Allele origin: not applicable. Functional consequence: retained intron. Not counted in ClinVar's aggregate classification.

Dr. Peter K. Rogan Lab, Western University
No classification provided (evidence only). Condition: Ovarian serous cystadenocarcinoma. Review status: no classification provided. Collection method: in vitro. Allele origin: not applicable. Functional consequence: retained intron. Not counted in ClinVar's aggregate classification.

Dr. Peter K. Rogan Lab, Western University
No classification provided (evidence only). Condition: Uterine carcinosarcoma. Review status: no classification provided. Collection method: in vitro. Allele origin: not applicable. Functional consequence: retained intron. Not counted in ClinVar's aggregate classification.

NM_001378454.1(ALMS1):c.5169A>G (p.Gln1723=)

Gene: ALMS1 (ALMS1 centrosome and basal body associated protein; plus strand). Cytogenetic location: 2p13.1.
Variant type: single nucleotide variant.
Coding change: c.5169A>G on transcript NM_001378454.1 (MANE Select); coding-DNA position 5169, A replaced by G.
Protein change: p.Gln1723=; no amino-acid change (glutamine 1723 retained).
Molecular consequence: synonymous variant.
Genome position (GRCh38, 1-based): chr2:73,451,696, A>G. VCF-style: chr2-73451696-A-G. GRCh37 (hg19) VCF-style: chr2-73678823-A-G.
Other names: c.5172A>G, p.Gln1724= (NM_015120.4).
Identifiers: ClinVar variation 221016 (VCV000221016.25), dbSNP rs75434052, ClinGen allele CA350403.